The following is an entry in ClinVar:

NM_020461.4(TUBGCP6):c.5208C>T (p.Val1736=)

Gene: TUBGCP6 (tubulin gamma complex component 6; minus strand). Cytogenetic location: 22q13.33.
Variant type: single nucleotide variant.
Coding change: c.5208C>T on transcript NM_020461.4 (MANE Select); coding-DNA position 5208, C replaced by T.
Protein change: p.Val1736=; no amino-acid change (valine 1736 retained).
Molecular consequence: synonymous variant.
Genome position (GRCh38, 1-based): chr22:50,218,078, G>A on the plus strand (C>T on the coding strand, the complement: TUBGCP6 is on the minus strand). VCF-style: chr22-50218078-G-A. GRCh37 (hg19) VCF-style: chr22-50656507-G-A.
Identifiers: ClinVar variation 727648 (VCV000727648.12), dbSNP rs139835410, ClinGen allele CA10307120.

ClinVar aggregate classification (germline): Likely benign. Review status: criteria provided, multiple submitters, no conflicts (2 of 4 stars). 3 submissions from 3 submitters: Likely benign (2). 1 of the submissions does not count toward it. Last evaluated 2025-03-31.

Conditions:
TUBGCP6-related disorder. Also called: TUBGCP6-related condition.

Allele frequency attached by ClinVar (database versions not stated): gnomAD exomes 0.00001 and 0.00006; ExAC 0.00005; gnomAD 0.00014 and 0.00016; TOPMed 0.00014; ESP Exome Variant Server 0.00023.
gnomAD v4.1: 40 of 1,613,256 alleles (0.0025%); highest among the groups gnomAD compares: African/African-American, 0.044%; no homozygotes.

Submissions (3):

Labcorp Genetics (formerly Invitae), Labcorp
Classification: Likely benign. Last evaluated: 2025-03-31. Review status: criteria provided, single submitter. Criteria: Invitae Variant Classification Sherloc (09022015). Collection method: clinical testing. Allele origin: germline.

Blueprint Genetics
Classification: Likely benign. Last evaluated: 2023-05-31. Review status: criteria provided, single submitter. Criteria: ACMG Guidelines, 2015. Collection method: clinical testing. Allele origin: germline.

PreventionGenetics, part of Exact Sciences
Classification: Likely benign for TUBGCP6-related condition. Last evaluated: 2019-11-06. Review status: no assertion criteria provided. Collection method: clinical testing. Allele origin: germline. Not counted in ClinVar's aggregate classification.
Comment: This variant is classified as likely benign based on ACMG/AMP sequence variant interpretation guidelines (Richards et al. 2015 PMID: 25741868, with internal and published modifications).